The following is an entry in ClinVar:

ClinVar aggregate classification (germline): Conflicting classifications of pathogenicity. Review status: criteria provided, conflicting classifications (1 of 4 stars). 8 submissions from 6 submitters: Uncertain significance (2); Benign (1); Likely benign (5). Last evaluated 2026-01-12.

Conditions:
Cardiovascular phenotype. Identifiers: MedGen CN230736.
Osteogenesis imperfecta (OI). Identifiers: Orphanet 666, MedGen C0029434, MeSH D010013, MONDO:0019019.
Infantile cortical hyperostosis. Also called: Hyperostosis, Cortical, Congenital; Caffey Disease; P1PK BLOOD GROUP SYSTEM, P(2) PHENOTYPE. Identifiers: Orphanet 1310, MedGen C0020497, MONDO:0007244, OMIM 114000.
Osteogenesis imperfecta type I (OI1). Also called: OI, TYPE I; OSTEOGENESIS IMPERFECTA TARDA; OSTEOGENESIS IMPERFECTA WITH BLUE SCLERAE; Lobstein's Disease; Osteogenesis imperfecta type 1; Lobstein disease. Identifiers: Orphanet 216796, Orphanet 666, MedGen C0023931, MONDO:0008146, OMIM 166200. Disease mechanism: loss of function.
Ehlers-Danlos syndrome, arthrochalasia type. Also called: Ehlers-Danlos syndrome, arthrochalasis type; ARTHROCHALASIS MULTIPLEX CONGENITA; EDS VII, MUTANT PROCOLLAGEN TYPE; EDS VIIA; Ehlers-Danlos syndrome, arthrochalasia type, 1. Identifiers: Orphanet 1899, Orphanet 99875, Orphanet 99876, MedGen C4551623, MONDO:0007525, OMIM 130060.
COL1A1-related disorder. Also called: COL1A1-related condition; COL1A1- related disease.

Allele frequency attached by ClinVar (database versions not stated): ExAC 0.00004; gnomAD exomes 0.00004 and 0.00010; gnomAD 0.00009; TOPMed 0.00012; ESP Exome Variant Server 0.00031; 1000 Genomes Project 30x 0.00016; 1000 Genomes Project 0.00020.
gnomAD v4.1: 158 of 1,613,184 alleles (0.0098%); highest among the groups gnomAD compares: Non-Finnish European, 0.012%; no homozygotes.

Submissions (8):

Labcorp Genetics (formerly Invitae), Labcorp
Classification: Benign for Osteogenesis imperfecta type I. Last evaluated: 2026-01-12. Review status: criteria provided, single submitter. Criteria: Invitae Variant Classification Sherloc (09022015). Collection method: clinical testing. Allele origin: germline.

PreventionGenetics, part of Exact Sciences
Classification: Likely benign for COL1A1-related condition. Last evaluated: 2025-11-18. Review status: criteria provided, single submitter. Criteria: ACMG Guidelines, 2015. Collection method: clinical testing. Allele origin: germline.
Comment: This variant is classified as likely benign based on ACMG/AMP sequence variant interpretation guidelines (Richards et al. 2015 PMID: 25741868, with internal and published modifications).

Women's Health and Genetics/Laboratory Corporation of America, LabCorp
Classification: Likely benign. Last evaluated: 2025-06-10. Review status: criteria provided, single submitter. Criteria: LabCorp Variant Classification Summary - May 2015. Collection method: clinical testing. Allele origin: germline.
Comment: Variant summary: COL1A1 c.4372G>A (p.Val1458Ile) results in a conservative amino acid change located in the C-terminal non-collagenous domain (IPR000885) of the encoded protein sequence. Algorithms developed to predict the effect of missense changes on protein structure and function all suggest that this variant is likely to be tolerated. The variant allele was found at a frequency of 9.8e-05 in 1606212 control chromosomes, predominantly at a frequency of 0.00012 within the Non-Finnish European subpopulation in the gnomAD database. The observed variant frequency within Non-Finnish European control individuals in the gnomAD database is approximately 4-fold of the estimated maximal expected allele frequency for a pathogenic variant in COL1A1 causing Osteogenesis imperfecta type I phenotype (3e-05). c.4372G>A has been reported in an infant affected with symptoms and clinical signs resembling to Caffey disease (Rosenberg_2021; conference abstract, no PMID), however no further supportive evidence for causality was provided. This report does not provide unequivocal conclusions about association of the variant with Osteogenesis imperfecta type I. To our knowledge, no experimental evidence demonstrating an impact on protein function has been reported. ClinVar contains an entry for this variant (Variation ID: 324095). Based on the evidence outlined above, the variant was classified as likely benign.

Ambry Genetics
Classification: Likely benign for Cardiovascular phenotype. Last evaluated: 2025-01-31. Review status: criteria provided, single submitter. Criteria: Ambry Variant Classification Scheme 2023. Collection method: clinical testing. Allele origin: germline.

GeneDx
Classification: Likely benign. Last evaluated: 2020-07-21. Review status: criteria provided, single submitter. Criteria: GeneDx Variant Classification Process June 2021. Collection method: clinical testing. Allele origin: germline. Affected: yes.
Comment: Has not been previously published as pathogenic or benign to our knowledge; Reported in ClinVar as a variant of uncertain significance (ClinVar Variant ID# 324095; Landrum et al., 2016); In silico analysis, which includes protein predictors and evolutionary conservation, supports that this variant does not alter protein structure/function; Not located in the triple helical region, where the majority of pathogenic missense variants occur (Stenson et al., 2014)

Illumina Laboratory Services, Illumina
Classification: Likely benign for Ehlers-Danlos syndrome, arthrochalasia type. Last evaluated: 2018-01-13. Review status: criteria provided, single submitter. Criteria: ICSL Variant Classification Criteria 13 December 2019. Collection method: clinical testing. Allele origin: germline.
Comment: This variant was observed in the ICSL laboratory as part of a predisposition screen in an ostensibly healthy population. It had not been previously curated by ICSL or reported in the Human Gene Mutation Database (HGMD: prior to June 1st, 2018), and was therefore a candidate for classification through an automated scoring system. Utilizing variant allele frequency, disease prevalence and penetrance estimates, and inheritance mode, an automated score was calculated to assess if this variant is too frequent to cause the disease. Based on the score and internal cut-off values, a variant classified as likely benign is not then subjected to further curation. The score for this variant resulted in a classification of likely benign for this disease.

Illumina Laboratory Services, Illumina
Classification: Uncertain significance for Osteogenesis imperfecta. Last evaluated: 2018-01-13. Review status: criteria provided, single submitter. Criteria: ICSL Variant Classification Criteria 13 December 2019. Collection method: clinical testing. Allele origin: germline.

Illumina Laboratory Services, Illumina
Classification: Uncertain significance for Infantile cortical hyperostosis. Last evaluated: 2018-01-13. Review status: criteria provided, single submitter. Criteria: ICSL Variant Classification Criteria 13 December 2019. Collection method: clinical testing. Allele origin: germline.

NM_000088.4(COL1A1):c.4372G>A (p.Val1458Ile)

Gene: COL1A1 (collagen type I alpha 1 chain; minus strand). Cytogenetic location: 17q21.33.
Variant type: single nucleotide variant.
Coding change: c.4372G>A on transcript NM_000088.4 (MANE Select); coding-DNA position 4372, G replaced by A.
Protein change: p.Val1458Ile; replaces valine 1458 with isoleucine.
Molecular consequence: missense variant.
Genome position (GRCh38, 1-based): chr17:50,185,525, C>T on the plus strand (G>A on the coding strand, the complement: COL1A1 is on the minus strand). VCF-style: chr17-50185525-C-T. GRCh37 (hg19) VCF-style: chr17-48262886-C-T.
Other names: short protein forms V1458I.
Identifiers: ClinVar variation 324095 (VCV000324095.20), dbSNP rs138557594, ClinGen allele CA8644169.